The following is an entry in ClinVar:

ClinVar aggregate classification (germline): Uncertain significance (1 of 4 stars; one submission).

gnomAD v4.1: 1 of 1,614,212 alleles (0.000062%); highest among the groups gnomAD compares: South Asian, 0.0011%; no homozygotes.

Submission:

GeneDx
Classification: Uncertain significance. Last evaluated: 2023-11-27. Review status: criteria provided, single submitter. Criteria: GeneDx Variant Classification Process June 2021. Collection method: clinical testing. Allele origin: germline. Affected: yes.
Comment: Not observed at significant frequency in large population cohorts (gnomAD); In silico analysis supports that this missense variant does not alter protein structure/function; Has not been previously published as pathogenic or benign to our knowledge

NM_024678.6(NARS2):c.97G>C (p.Ala33Pro)

Gene: NARS2 (asparaginyl-tRNA synthetase 2, mitochondrial; minus strand). Cytogenetic location: 11q14.1.
Variant type: single nucleotide variant.
Coding change: c.97G>C on transcript NM_024678.6 (MANE Select); coding-DNA position 97, G replaced by C.
Protein change: p.Ala33Pro; replaces alanine 33 with proline.
Molecular consequence: missense variant. On other transcripts: 5 prime UTR variant (1), non-coding transcript variant (3), intron variant (5).
Genome position (GRCh38, 1-based): chr11:78,574,392, C>G on the plus strand (G>C on the coding strand, the complement: NARS2 is on the minus strand). VCF-style: chr11-78574392-C-G. GRCh37 (hg19) VCF-style: chr11-78285437-C-G.
Other names: c.97G>C, p.Ala33Pro (NM_001425299.1, NM_001425300.1, NM_001425301.1 and 8 more transcripts); c.-460G>C (NM_001425311.1); c.-541+437G>C (NM_001425314.1, NM_001243251.2, NM_001425310.1); c.-613+437G>C (NM_001425312.1); c.-804+437G>C (NM_001425313.1); short protein forms A33P.
Identifiers: ClinVar variation 3364834 (VCV003364834.1).